The following is an entry in ClinVar:

ClinVar aggregate classification (germline): Uncertain significance (1 of 4 stars; one submission).

Submission:

GeneDx
Classification: Uncertain significance. Last evaluated: 2023-12-22. Review status: criteria provided, single submitter. Criteria: GeneDx Variant Classification Process June 2021. Collection method: clinical testing. Allele origin: germline. Affected: yes.
Comment: Not observed at significant frequency in large population cohorts (gnomAD); In silico analysis supports that this missense variant does not alter protein structure/function; Has not been previously published as pathogenic or benign to our knowledge

NM_001393504.1(MAST3):c.35T>C (p.Leu12Pro)

Genes: IL12RB1 (interleukin 12 receptor subunit beta 1; minus strand), MAST3 (microtubule associated serine/threonine kinase 3; plus strand), LOC130063975 (ATAC-STARR-seq lymphoblastoid silent region 10369; plus strand). Cytogenetic location: 19p13.11.
Variant type: single nucleotide variant.
Coding change: c.35T>C on transcript NM_001393504.1 (MANE Select); coding-DNA position 35, T replaced by C.
Protein change: p.Leu12Pro; replaces leucine 12 with proline.
Molecular consequence: missense variant. On other transcripts: intron variant (3).
Genome position (GRCh38, 1-based): chr19:18,097,827, T>C. VCF-style: chr19-18097827-T-C. GRCh37 (hg19) VCF-style: chr19-18208637-T-C.
Other names: c.35T>C, p.Leu12Pro (NM_001393501.1, NM_001393502.1, NM_001393508.1 and 8 more transcripts); c.11+928A>G (NM_001290024.2, NM_001440427.1, NM_001440426.1); short protein forms L12P.
Identifiers: ClinVar variation 3365629 (VCV003365629.1).